The following is an entry in ClinVar:

ClinVar aggregate classification (germline): Likely benign (1 of 4 stars; one submission).

Allele frequency attached by ClinVar (database versions not stated): TOPMed 0.00033; gnomAD 0.00034.

Submission:

CeGaT Center for Human Genetics Tuebingen
Classification: Likely benign. Last evaluated: 2026-04-01. Review status: criteria provided, single submitter. Criteria: CeGaT Center For Human Genetics Tuebingen Variant Classification Criteria Version 2. Collection method: clinical testing. Allele origin: germline. Affected: yes. Observed: 3 variant alleles.
Comment: FKTN: BP4, BP7

NC_000009.12:g.105644774C>T

Gene: FKTN (fukutin; plus strand). Cytogenetic location: 9q31.2.
Variant type: single nucleotide variant.
Genome position: GRCh38 VCF-style: chr9-105644774-C-T. GRCh37 (hg19) VCF-style: chr9-108407055-C-T.
Identifiers: ClinVar variation 3250776 (VCV003250776.18), dbSNP rs543169596.